The following is an entry in ClinVar:

NM_054012.4(ASS1):c.420+3A>G

Gene: ASS1 (argininosuccinate synthase 1; plus strand). Cytogenetic location: 9q34.11.
Variant type: single nucleotide variant.
Coding change: c.420+3A>G on transcript NM_054012.4 (MANE Select); 3 bases into the intron after coding-DNA position 420, A replaced by G.
Molecular consequence: intron variant.
Genome position (GRCh38, 1-based): chr9:130,464,170, A>G. VCF-style: chr9-130464170-A-G. GRCh37 (hg19) VCF-style: chr9-133339557-A-G.
Other names: c.420+3A>G (NM_000050.4).
Identifiers: ClinVar variation 2094018 (VCV002094018.4), dbSNP rs2490546490, ClinGen allele CA2580079807.
Genomic context (GRCh38, chr9:130,464,170, plus strand): 5'-GGGGAACGATCAGGTCCGGTTTGAGCTCAGCTGCTACTCACTGGCCCCCCAGATAAAGGT[A>G]GGATGTGGCTCCTCCCCTTAGCAGGGAGCACTAGCATCTGCAGCACCTGATGGGGAGGAG-3'

ClinVar aggregate classification (germline): Uncertain significance (1 of 4 stars; one submission).

Conditions:
Citrullinemia. Identifiers: Orphanet 187, MedGen C0175683, MONDO:0015991.

Submission:

Labcorp Genetics (formerly Invitae), Labcorp
Classification: Uncertain significance for Citrullinemia. Last evaluated: 2023-06-29. Review status: criteria provided, single submitter. Criteria: Invitae Variant Classification Sherloc (09022015). Collection method: clinical testing. Allele origin: germline.
Comment: In summary, the available evidence is currently insufficient to determine the role of this variant in disease. Therefore, it has been classified as a Variant of Uncertain Significance. This variant is not present in population databases (gnomAD no frequency). Variants that disrupt the consensus splice site are a relatively common cause of aberrant splicing (PMID: 17576681, 9536098). Algorithms developed to predict the effect of sequence changes on RNA splicing suggest that this variant may disrupt the consensus splice site. ClinVar contains an entry for this variant (Variation ID: 2094018). This variant has not been reported in the literature in individuals affected with ASS1-related conditions. This sequence change falls in intron 6 of the ASS1 gene. It does not directly change the encoded amino acid sequence of the ASS1 protein. It affects a nucleotide within the consensus splice site.

Literature cited by the submitters: PubMed 17576681; PubMed 9536098.